The following is an entry in ClinVar:

NM_016373.4(WWOX):c.966T>A (p.His322Gln)

Gene: WWOX (WW domain containing oxidoreductase; plus strand). Cytogenetic location: 16q23.1.
Variant type: single nucleotide variant.
Coding change: c.966T>A on transcript NM_016373.4 (MANE Select); coding-DNA position 966, T replaced by A.
Protein change: p.His322Gln; replaces histidine 322 with glutamine.
Molecular consequence: missense variant.
Genome position (GRCh38, 1-based): chr16:78,432,662, T>A. VCF-style: chr16-78432662-T-A. GRCh37 (hg19) VCF-style: chr16-78466559-T-A.
Other names: c.627T>A, p.His209Gln (NM_001291997.2); short protein forms H209Q, H322Q.
Identifiers: ClinVar variation 1003952 (VCV001003952.8), dbSNP rs750797952, ClinGen allele CA8183582.

ClinVar aggregate classification (germline): Uncertain significance. Review status: criteria provided, multiple submitters, no conflicts (2 of 4 stars). 2 submissions from 2 submitters: Uncertain significance (2). Last evaluated 2024-02-20.

Conditions:
Autosomal recessive spinocerebellar ataxia 12. Also called: SPINOCEREBELLAR ATAXIA WITH MENTAL RETARDATION AND EPILEPSY. Identifiers: Orphanet 284282, MedGen C3280452, MONDO:0013687, OMIM 614322.
Developmental and epileptic encephalopathy, 1 (DEE1). Also called: INFANTILE SPASM SYNDROME, X-LINKED 1; X-linked infantile spasms; West's syndrome; Tonic spasms with clustering, arrest of psychomotor development and hypsarrhythmia on EEG; X-Linked Infantile Spasm Syndrome; Epileptic encephalopathy, early infantile, 1. Identifiers: MedGen C3463992, MONDO:0010632, OMIM 308350. Disease mechanism: loss of function.

Allele frequency attached by ClinVar (database versions not stated): gnomAD exomes below 0.00001; ExAC 0.00001; TOPMed 0.00001; gnomAD 0.00002.
gnomAD v4.1: 7 of 1,614,046 alleles (0.00043%); highest among the groups gnomAD compares: African/African-American, 0.0013%; no homozygotes.

Submissions (2):

Blueprint Genetics
Classification: Uncertain significance. Last evaluated: 2024-02-20. Review status: criteria provided, single submitter. Criteria: ACMG Guidelines, 2015. Collection method: clinical testing. Allele origin: germline.

Labcorp Genetics (formerly Invitae), Labcorp
Classification: Uncertain significance for Developmental and epileptic encephalopathy, 1; Autosomal recessive spinocerebellar ataxia 12. Last evaluated: 2020-10-08. Review status: criteria provided, single submitter. Criteria: Invitae Variant Classification Sherloc (09022015). Collection method: clinical testing. Allele origin: germline.
Comment: In summary, the available evidence is currently insufficient to determine the role of this variant in disease. Therefore, it has been classified as a Variant of Uncertain Significance. Algorithms developed to predict the effect of missense changes on protein structure and function are either unavailable or do not agree on the potential impact of this missense change (SIFT: "Not Available"; PolyPhen-2: "Probably Damaging"; Align-GVGD: "Not Available"). This variant has not been reported in the literature in individuals with WWOX-related conditions. This variant is present in population databases (rs750797952, ExAC 0.001%). This sequence change replaces histidine with glutamine at codon 322 of the WWOX protein (p.His322Gln). The histidine residue is highly conserved and there is a small physicochemical difference between histidine and glutamine.